The following is an entry in ClinVar:

ClinVar aggregate classification (germline): Likely benign (1 of 4 stars; one submission).

Conditions:
Arrhythmogenic cardiomyopathy with wooly hair and keratoderma. Also called: Carvajal syndrome; PALMOPLANTAR KERATODERMA WITH LEFT VENTRICULAR CARDIOMYOPATHY AND WOOLLY HAIR; Dilated cardiomyopathy with woolly hair and keratoderma; Arrhythmogenic cardiomyopathy with woolly hair and keratoderma. Identifiers: Orphanet 65282, MedGen C1854063, MONDO:0011581, OMIM 605676.

Submission:

All of Us Research Program, National Institutes of Health
Classification: Likely benign for Arrhythmogenic cardiomyopathy with wooly hair and keratoderma. Last evaluated: 2024-04-25. Review status: criteria provided, single submitter. Criteria: ACMG Guidelines, 2015. Collection method: clinical testing. Allele origin: germline. Inheritance: Autosomal dominant inheritance. Observed: 1 variant allele, 1 heterozygote.
Comment: This study involves interpretation of variants in research participants for the purpose of population health screening. Participant phenotype was not available at the time of variant classification. Additional details can be found in publication PMID: 35346344, PMCID: PMC8962531

NM_004415.4(DSP):c.7824T>C (p.Ser2608=)

Gene: DSP (desmoplakin; plus strand). Cytogenetic location: 6p24.3.
Variant type: single nucleotide variant.
Coding change: c.7824T>C on transcript NM_004415.4 (MANE Select); coding-DNA position 7824, T replaced by C.
Protein change: p.Ser2608=; no amino-acid change (serine 2608 retained).
Molecular consequence: synonymous variant.
Genome position (GRCh38, 1-based): chr6:7,585,086, T>C. VCF-style: chr6-7585086-T-C. GRCh37 (hg19) VCF-style: chr6-7585319-T-C.
Other names: c.6027T>C, p.Ser2009= (NM_001008844.3); c.6495T>C, p.Ser2165= (NM_001319034.2).
Identifiers: ClinVar variation 3386725 (VCV003386725.1).